The following is an entry in ClinVar:

ClinVar aggregate classification (germline): Likely pathogenic (1 of 4 stars; one submission).

Conditions:
Autosomal dominant nocturnal frontal lobe epilepsy 5. Also called: KCNT1-Related Epilepsy; CILIARY DYSKINESIA, PRIMARY, 28, WITHOUT SITUS INVERSUS; CILIARY DYSKINESIA, PRIMARY, 28, WITH SITUS INVERSUS; Epilepsy, nocturnal frontal lobe, 5. Identifiers: Orphanet 98784, MedGen C3554306, MONDO:0014002, OMIM 615005.
Developmental and epileptic encephalopathy, 14 (DEE14). Also called: Early infantile epileptic encephalopathy 14. Identifiers: Orphanet 293181, MedGen C3554195, MONDO:0013989, OMIM 614959.

Submission:

Labcorp Genetics (formerly Invitae), Labcorp
Classification: Likely pathogenic for Autosomal dominant nocturnal frontal lobe epilepsy 5; Developmental and epileptic encephalopathy, 14. Last evaluated: 2019-07-02. Review status: criteria provided, single submitter. Criteria: Invitae Variant Classification Sherloc (09022015). Collection method: clinical testing. Allele origin: germline.
Comment: This sequence change replaces phenylalanine with leucine at codon 346 of the KCNT1 protein (p.Phe346Leu). The phenylalanine residue is highly conserved and there is a small physicochemical difference between phenylalanine and leucine. This variant is not present in population databases (ExAC no frequency). This variant has been observed in individuals affected with early infantile epileptic encephalopathy (PMID: 29390993, 30868116, Invitae). Algorithms developed to predict the effect of missense changes on protein structure and function (SIFT, PolyPhen-2, Align-GVGD) all suggest that this variant is likely to be tolerated, but these predictions have not been confirmed by published functional studies and their clinical significance is uncertain. In summary, the currently available evidence indicates that the variant is pathogenic, but additional data are needed to prove that conclusively. Therefore, this variant has been classified as Likely Pathogenic.

Literature cited by the submitters: PubMed 29390993; PubMed 30868116.

NM_020822.3(KCNT1):c.1038C>A (p.Phe346Leu)

Gene: KCNT1 (potassium sodium-activated channel subfamily T member 1; plus strand). Cytogenetic location: 9q34.3.
Variant type: single nucleotide variant.
Coding change: c.1038C>A on transcript NM_020822.3 (MANE Select); coding-DNA position 1038, C replaced by A.
Protein change: p.Phe346Leu; replaces phenylalanine 346 with leucine.
Molecular consequence: missense variant.
Genome position (GRCh38, 1-based): chr9:135,765,033, C>A. VCF-style: chr9-135765033-C-A. GRCh37 (hg19) VCF-style: chr9-138656879-C-A.
Other names: c.903C>A, p.Phe301Leu (NM_001272003.2); short protein forms F346L, F301L.
Identifiers: ClinVar variation 948652 (VCV000948652.10), dbSNP rs767434859, ClinGen allele CA375499795.